The following is an entry in ClinVar:

ClinVar aggregate classification (germline): Uncertain significance (1 of 4 stars; one submission).

Allele frequency attached by ClinVar (database versions not stated): TOPMed 0.00001; ExAC 0.00002; gnomAD exomes 0.00002.
gnomAD v4.1: 12 of 1,614,120 alleles (0.00074%); highest among the groups gnomAD compares: Admixed American, 0.017%; no homozygotes.

Submission:

Labcorp Genetics (formerly Invitae), Labcorp
Classification: Uncertain significance. Last evaluated: 2022-05-25. Review status: criteria provided, single submitter. Criteria: Invitae Variant Classification Sherloc (09022015). Collection method: clinical testing. Allele origin: germline.
Comment: This sequence change replaces serine, which is neutral and polar, with asparagine, which is neutral and polar, at codon 3592 of the ANK3 protein (p.Ser3592Asn). This variant is present in population databases (rs756153597, gnomAD 0.02%). This variant has not been reported in the literature in individuals affected with ANK3-related conditions. Algorithms developed to predict the effect of missense changes on protein structure and function are either unavailable or do not agree on the potential impact of this missense change (SIFT: "Not Available"; PolyPhen-2: "Probably Damaging"; Align-GVGD: "Not Available"). In summary, the available evidence is currently insufficient to determine the role of this variant in disease. Therefore, it has been classified as a Variant of Uncertain Significance.

NM_020987.5(ANK3):c.10775G>A (p.Ser3592Asn)

Gene: ANK3 (ankyrin 3; minus strand). Cytogenetic location: 10q21.2.
Variant type: single nucleotide variant.
Coding change: c.10775G>A on transcript NM_020987.5 (MANE Select); coding-DNA position 10775, G replaced by A.
Protein change: p.Ser3592Asn; replaces serine 3592 with asparagine.
Molecular consequence: missense variant. On other transcripts: intron variant (4).
Genome position (GRCh38, 1-based): chr10:60,070,106, C>T on the plus strand (G>A on the coding strand, the complement: ANK3 is on the minus strand). VCF-style: chr10-60070106-C-T. GRCh37 (hg19) VCF-style: chr10-61829864-C-T.
Other names: c.4388-2097G>A (NM_001204403.2); c.4409-2097G>A (NM_001204404.2); c.4406-2097G>A (NM_001320874.2); c.1808-2097G>A (NM_001149.4); short protein forms S3592N.
Identifiers: ClinVar variation 2185211 (VCV002185211.4), dbSNP rs756153597, ClinGen allele CA5511195.